The following is an entry in ClinVar:

NM_002474.3(MYH11):c.1834G>C (p.Asp612His)

Gene: MYH11 (myosin heavy chain 11; minus strand). Cytogenetic location: 16p13.11.
Variant type: single nucleotide variant.
Coding change: c.1834G>C on transcript NM_002474.3 (MANE Select); coding-DNA position 1834, G replaced by C.
Protein change: p.Asp612His; replaces aspartic acid 612 with histidine.
Molecular consequence: missense variant.
Genome position (GRCh38, 1-based): chr16:15,753,424, C>G on the plus strand (G>C on the coding strand, the complement: MYH11 is on the minus strand). VCF-style: chr16-15753424-C-G. GRCh37 (hg19) VCF-style: chr16-15847281-C-G.
Other names: c.1855G>C, p.Asp619His (NM_001040113.2, NM_001040114.2); c.1834G>C, p.Asp612His (NM_022844.3); short protein forms D612H, D619H.
Identifiers: ClinVar variation 3662116 (VCV003662116.2).

ClinVar aggregate classification (germline): Uncertain significance (1 of 4 stars; one submission).

Conditions:
Aortic aneurysm, familial thoracic 4 (AAT4). Also called: AORTIC ANEURYSM/AORTIC DISSECTION AND PATENT DUCTUS ARTERIOSUS. Identifiers: MedGen C1851504, MONDO:0007568, OMIM 132900.

Submission:

Labcorp Genetics (formerly Invitae), Labcorp
Classification: Uncertain significance for Aortic aneurysm, familial thoracic 4. Last evaluated: 2024-08-12. Review status: criteria provided, single submitter. Criteria: Invitae Variant Classification Sherloc (09022015). Collection method: clinical testing. Allele origin: germline.
Comment: This sequence change replaces aspartic acid, which is acidic and polar, with histidine, which is basic and polar, at codon 619 of the MYH11 protein (p.Asp619His). This variant is not present in population databases (gnomAD no frequency). This variant has not been reported in the literature in individuals affected with MYH11-related conditions. Advanced modeling of protein sequence and biophysical properties (such as structural, functional, and spatial information, amino acid conservation, physicochemical variation, residue mobility, and thermodynamic stability) performed at Invitae indicates that this missense variant is not expected to disrupt MYH11 protein function with a negative predictive value of 95%. In summary, the available evidence is currently insufficient to determine the role of this variant in disease. Therefore, it has been classified as a Variant of Uncertain Significance.